The following is an entry in ClinVar:

ClinVar aggregate classification (germline): Uncertain significance (1 of 4 stars; one submission).

Conditions:
Nephronophthisis. Also called: Juvenile Nephronophthisis. Identifiers: Orphanet 655, MedGen C0687120, MONDO:0019005, HP:0000090.

Submission:

Labcorp Genetics (formerly Invitae), Labcorp
Classification: Uncertain significance for Nephronophthisis. Last evaluated: 2024-10-25. Review status: criteria provided, single submitter. Criteria: Invitae Variant Classification Sherloc (09022015). Collection method: clinical testing. Allele origin: germline.
Comment: This sequence change replaces tyrosine, which is neutral and polar, with cysteine, which is neutral and slightly polar, at codon 155 of the NPHP4 protein (p.Tyr155Cys). This variant is not present in population databases (gnomAD no frequency). This variant has not been reported in the literature in individuals affected with NPHP4-related conditions. ClinVar contains an entry for this variant (Variation ID: 1042555). Invitae Evidence Modeling of protein sequence and biophysical properties (such as structural, functional, and spatial information, amino acid conservation, physicochemical variation, residue mobility, and thermodynamic stability) indicates that this missense variant is expected to disrupt NPHP4 protein function with a positive predictive value of 80%. In summary, the available evidence is currently insufficient to determine the role of this variant in disease. Therefore, it has been classified as a Variant of Uncertain Significance.

NM_015102.5(NPHP4):c.464A>G (p.Tyr155Cys)

Gene: NPHP4 (nephrocystin 4; minus strand). Cytogenetic location: 1p36.31.
Variant type: single nucleotide variant.
Coding change: c.464A>G on transcript NM_015102.5 (MANE Select); coding-DNA position 464, A replaced by G.
Protein change: p.Tyr155Cys; replaces tyrosine 155 with cysteine.
Molecular consequence: missense variant. On other transcripts: 5 prime UTR variant (2), non-coding transcript variant (1).
Genome position (GRCh38, 1-based): chr1:5,967,352, T>C on the plus strand (A>G on the coding strand, the complement: NPHP4 is on the minus strand). VCF-style: chr1-5967352-T-C. GRCh37 (hg19) VCF-style: chr1-6027412-T-C.
Other names: c.-766A>G (NM_001291593.2); c.-903A>G (NM_001291594.2); short protein forms Y155C.
Identifiers: ClinVar variation 1042555 (VCV001042555.8), dbSNP rs1651713266, ClinGen allele CA338049553.